The following is an entry in ClinVar:

ClinVar aggregate classification (germline): Pathogenic (1 of 4 stars; one submission).

Conditions:
PAX6-related ocular dysgenesis. Identifiers: MedGen CN322461, MONDO:0800183.

Submission:

Broad Center for Mendelian Genomics, Broad Institute of MIT and Harvard
Classification: Pathogenic for PAX6-related ocular dysgenesis. Last evaluated: 2025-07-21. Review status: criteria provided, single submitter. Criteria: ACMG/ClinGen CNV Guidelines, 2019. Collection method: clinical testing. Allele origin: de novo. Inheritance: Autosomal dominant inheritance. Affected: yes. Study: GREGoR Consortium.
Comment: A confirmed de novo heterozygous deletion of 4 genes was identified by whole genome sequencing in 1 individual with PAX6 related ocular dysgenesis ([GRCh38] chr11:31777438_31946212x1) by the Broad Institute Rare Genomes Project. The patient phenotype is highly specific, and consistent with what has been described in similar cases. There is complete overlap with the PAX6 gene, which is known to be haploinsufficient, and has been assessed by the ClinGen Dosage Sensitivity Working Group. This variant was absent from large population studies. In summary, this variant meets criteria to be classified as pathogenic for autosomal dominant PAX6 related ocular dysgenesis. The ACMG/ClinGen evidence codes and points used in this curation are as follows: 1A: 0 points, 2A: 1 points, 3A: 0 points, 5A: 0.45 points; Total: 1.45 points; Riggs 2020 (PMID: 31690835).

Single allele

Genes: ELP4 (elongator acetyltransferase complex subunit 4; plus strand), PAUPAR (PAX6 upstream antisense RNA; plus strand), PAX6 (paired box 6; minus strand), PAX6-AS1 (PAX6 antisense RNA 1; plus strand), LOC106007485 (enhancer region in intron 7 of PAX6; plus strand) and 6 more. Cytogenetic location: 11p13.
Variant type: Deletion.
Identifiers: ClinVar variation 4070940 (VCV004070940.1).